The following is an entry in ClinVar:

NM_002230.4(JUP):c.1400C>A (p.Pro467His)

Gene: JUP (junction plakoglobin; minus strand). Cytogenetic location: 17q21.2.
Variant type: single nucleotide variant.
Coding change: c.1400C>A on transcript NM_002230.4 (MANE Select); coding-DNA position 1400, C replaced by A.
Protein change: p.Pro467His; replaces proline 467 with histidine.
Molecular consequence: missense variant.
Genome position (GRCh38, 1-based): chr17:41,763,080, G>T on the plus strand (C>A on the coding strand, the complement: JUP is on the minus strand). VCF-style: chr17-41763080-G-T. GRCh37 (hg19) VCF-style: chr17-39919332-G-T.
Other names: c.1400C>A, p.Pro467His (NM_001352773.2, NM_001352774.2, NM_001352775.2 and 3 more transcripts); short protein forms P467H.
Identifiers: ClinVar variation 4786790 (VCV004786790.1).

ClinVar aggregate classification (germline): Uncertain significance (1 of 4 stars; one submission).

Conditions:
Arrhythmogenic right ventricular dysplasia 12. Also called: ARRHYTHMOGENIC RIGHT VENTRICULAR DYSPLASIA, FAMILIAL, 12. Identifiers: MedGen C1969081, MONDO:0012684, OMIM 611528.
Naxos disease (NXD). Also called: WOOLLY HAIR, PALMOPLANTAR KERATODERMA, AND CARDIAC ABNORMALITIES; KERATOSIS PALMOPLANTARIS WITH ARRHYTHMOGENIC CARDIOMYOPATHY; MAL DE NAXOS; PALMOPLANTAR KERATODERMA WITH ARRHYTHMOGENIC RIGHT VENTRICULAR CARDIOMYOPATHY AND WOOLLY HAIR; CARDIOMYOPATHY, ARRHYTHMOGENIC RIGHT VENTRICULAR, WITH SKIN, HAIR, AND NAIL ABNORMALITIES. Identifiers: Orphanet 34217, MedGen C1832600, MONDO:0011017, OMIM 601214.

Submission:

Labcorp Genetics (formerly Invitae), Labcorp
Classification: Uncertain significance for Arrhythmogenic right ventricular dysplasia 12; Naxos disease. Last evaluated: 2025-11-24. Review status: criteria provided, single submitter. Criteria: Invitae Variant Classification Sherloc (09022015). Collection method: clinical testing. Allele origin: germline.
Comment: This sequence change replaces proline, which is neutral and non-polar, with histidine, which is basic and polar, at codon 467 of the JUP protein (p.Pro467His). This variant is not present in population databases (gnomAD no frequency). This variant has not been reported in the literature in individuals affected with JUP-related conditions. An algorithm developed to predict the effect of missense changes on protein structure and function (PolyPhen-2) suggests that this variant is likely to be tolerated. In summary, the available evidence is currently insufficient to determine the role of this variant in disease. Therefore, it has been classified as a Variant of Uncertain Significance.